The following is an entry in ClinVar:

NM_001322934.2(NFKB2):c.17A>T (p.Asn6Ile)

Gene: NFKB2 (nuclear factor kappa B subunit 2; plus strand). Cytogenetic location: 10q24.32.
Variant type: single nucleotide variant.
Coding change: c.17A>T on transcript NM_001322934.2 (MANE Select); coding-DNA position 17, A replaced by T.
Protein change: p.Asn6Ile; replaces asparagine 6 with isoleucine.
Molecular consequence: missense variant.
Genome position (GRCh38, 1-based): chr10:102,395,976, A>T. VCF-style: chr10-102395976-A-T. GRCh37 (hg19) VCF-style: chr10-104155733-A-T.
Other names: c.17A>T, p.Asn6Ile (NM_001077494.3, NM_001261403.3, NM_001288724.1 and 2 more transcripts); short protein forms N6I.
Identifiers: ClinVar variation 4882543 (VCV004882543.2).
Genomic context (GRCh38, chr10:102,395,976, plus strand): 5'-ACCTGGCCGGAGCCACTAGACAGAGCCGGGCCTAGCCCAGAGACATGGAGAGTTGCTACA[A>T]CCCAGTGAGTCATGCCGCCTGCCCCTGACCCGGCCGGCTGCCCCTCGTGTCTGTCCACCT-3'
Protein context (NP_001309863.1, residues 1-16): MESCY[Asn6Ile]PGLDGIIEYD

ClinVar aggregate classification (germline): Uncertain significance (1 of 4 stars; one submission).

Submission:

Dasa
Classification: Uncertain significance. Last evaluated: 2025-02-19. Review status: criteria provided, single submitter. Criteria: DASA Assertion Criteria. Collection method: clinical testing. Allele origin: germline.
Comment: NM_001322934.2(NFKB2):c.17A>T (p.Asn6Ile) is a missense variant that results in the substitution of asparagine with isoleucine. This variant is absent from population databases. Computational prediction algorithms are consistent with a benign effect. The currently available literature and clinical evidence are not sufficient to establish a definitive association between this variant and the reported condition. Therefore, this variant is classified as a variant of uncertain significance.